The following is an entry in ClinVar:

NM_001042492.3(NF1):c.2525G>C (p.Gly842Ala)

Gene: NF1 (neurofibromin 1; plus strand). Cytogenetic location: 17q11.2.
Variant type: single nucleotide variant.
Coding change: c.2525G>C on transcript NM_001042492.3 (MANE Select); coding-DNA position 2525, G replaced by C.
Protein change: p.Gly842Ala; replaces glycine 842 with alanine.
Molecular consequence: missense variant.
Genome position (GRCh38, 1-based): chr17:31,229,140, G>C. VCF-style: chr17-31229140-G-C. GRCh37 (hg19) VCF-style: chr17-29556158-G-C.
Other names: c.2525G>C, p.Gly842Ala (NM_000267.4); short protein forms G842A.
Identifiers: ClinVar variation 2693880 (VCV002693880.3), dbSNP rs1597715290, ClinGen allele CA398984190.
Genomic context (GRCh38, chr17:31,229,140, plus strand): 5'-GAGGAGGATCCATAGATTTGTCTGACACAGACTCCCTACAGGAATGGATCAACATGACTG[G>C]CTTCCTTTGTGCCCTTGGGGGAGTGTGCCTCCAGCAGAGAAGCAATTCTGGCCTGGCAAC-3'
Protein context (NP_001035957.1, residues 832-852): DSLQEWINMT[Gly842Ala]FLCALGGVCL

ClinVar aggregate classification (germline): Uncertain significance (1 of 4 stars; one submission).

Conditions:
Neurofibromatosis, type 1 (NF1). Also called: Peripheral type neurofibromatosis; VON RECKLINGHAUSEN DISEASE; Neurofibromatosis, type I; NEUROFIBROMATOSIS, TYPE I, SOMATIC. Identifiers: Orphanet 636, MedGen C0027831, MONDO:0018975, OMIM 162200. Disease mechanism: loss of function.

Submission:

Labcorp Genetics (formerly Invitae), Labcorp
Classification: Uncertain significance for Neurofibromatosis, type 1. Last evaluated: 2023-06-06. Review status: criteria provided, single submitter. Criteria: Invitae Variant Classification Sherloc (09022015). Collection method: clinical testing. Allele origin: germline.
Comment: In summary, the available evidence is currently insufficient to determine the role of this variant in disease. Therefore, it has been classified as a Variant of Uncertain Significance. Advanced modeling of protein sequence and biophysical properties (such as structural, functional, and spatial information, amino acid conservation, physicochemical variation, residue mobility, and thermodynamic stability) performed at Invitae indicates that this missense variant is expected to disrupt NF1 protein function. This variant has not been reported in the literature in individuals affected with NF1-related conditions. This variant is not present in population databases (gnomAD no frequency). This sequence change replaces glycine, which is neutral and non-polar, with alanine, which is neutral and non-polar, at codon 842 of the NF1 protein (p.Gly842Ala).